The following is an entry in ClinVar:

NM_020919.4(ALS2):c.2856T>C (p.His952=)

Gene: ALS2 (alsin Rho guanine nucleotide exchange factor ALS2; minus strand). Cytogenetic location: 2q33.1.
Variant type: single nucleotide variant.
Coding change: c.2856T>C on transcript NM_020919.4 (MANE Select); coding-DNA position 2856, T replaced by C.
Protein change: p.His952=; no amino-acid change (histidine 952 retained).
Molecular consequence: synonymous variant.
Genome position (GRCh38, 1-based): chr2:201,727,761, A>G on the plus strand (T>C on the coding strand, the complement: ALS2 is on the minus strand). VCF-style: chr2-201727761-A-G. GRCh37 (hg19) VCF-style: chr2-202592484-A-G.
Identifiers: ClinVar variation 703780 (VCV000703780.34), dbSNP rs1343812559, ClinGen allele CA430644518.

ClinVar aggregate classification (germline): Likely benign. Review status: criteria provided, multiple submitters, no conflicts (2 of 4 stars). 2 submissions from 2 submitters: Likely benign (2). Last evaluated 2025-12-03.

Conditions:
Infantile-onset ascending hereditary spastic paralysis (IAHSP). Also called: Autosomal Recessive Juvenile Amyotrophic Lateral Sclerosis; Infantile-Onset Ascending Hereditary Spastic Paralysis (IAHSP). Identifiers: Orphanet 293168, MedGen C2931441, MONDO:0011797, OMIM 607225. Disease mechanism: loss of function.

Allele frequency attached by ClinVar (database versions not stated): TOPMed below 0.00001; gnomAD exomes 0.00001.
gnomAD v4.1: 15 of 1,551,702 alleles (0.00097%); highest among the groups gnomAD compares: Admixed American, 0.002%; 1 homozygote.

Submissions (2):

Labcorp Genetics (formerly Invitae), Labcorp
Classification: Likely benign for Infantile-onset ascending hereditary spastic paralysis. Last evaluated: 2025-12-03. Review status: criteria provided, single submitter. Criteria: Invitae Variant Classification Sherloc (09022015). Collection method: clinical testing. Allele origin: germline.

CeGaT Center for Human Genetics Tuebingen
Classification: Likely benign. Last evaluated: 2023-09-01. Review status: criteria provided, single submitter. Criteria: CeGaT Center For Human Genetics Tuebingen Variant Classification Criteria Version 2. Collection method: clinical testing. Allele origin: germline. Affected: yes. Observed: 1 variant allele.
Comment: ALS2: BP4, BP7